The following is an entry in ClinVar:

NM_022168.4(IFIH1):c.2490C>T (p.Tyr830=)

Gene: IFIH1 (interferon induced with helicase C domain 1; minus strand). Cytogenetic location: 2q24.2.
Variant type: single nucleotide variant.
Coding change: c.2490C>T on transcript NM_022168.4 (MANE Select); coding-DNA position 2490, C replaced by T.
Protein change: p.Tyr830=; no amino-acid change (tyrosine 830 retained).
Molecular consequence: synonymous variant.
Genome position (GRCh38, 1-based): chr2:162,272,352, G>A on the plus strand (C>T on the coding strand, the complement: IFIH1 is on the minus strand). VCF-style: chr2-162272352-G-A. GRCh37 (hg19) VCF-style: chr2-163128862-G-A.
Identifiers: ClinVar variation 1131092 (VCV001131092.18), dbSNP rs535643698, ClinGen allele CA1934160.
Genomic context (GRCh38, chr2:162,272,352, plus strand): 5'-TCGGAAATCATTAACTGTCTCATGTTCGATAACTCCTGAACCACTGTGAGCAACCAGGAC[G>A]TAGGTGCTCTCATCAGCTCTGGCTCGACCACGGGCCTGAAAACACAAATAAATCAAGTAA-3'
Protein context (NP_071451.2, residues 820-840): RGRARADEST[Tyr830=]VLVAHSGSGV

ClinVar aggregate classification (germline): Likely benign. Review status: criteria provided, multiple submitters, no conflicts (2 of 4 stars). 3 submissions from 3 submitters: Likely benign (3). Last evaluated 2025-06-01.

Conditions:
Singleton-Merten syndrome 1 (SGMRT1). Also called: Widened medullary cavities of bone, aortic calcification, abnormal dentition, and muscular weakness; Syndrome of widened medullary cavities of the metacarpals and phalanges, aortic calcification and abnormal dentition. Identifiers: Orphanet 85191, MedGen C4225427, MONDO:0024535, OMIM 182250.
Aicardi-Goutieres syndrome 7 (AGS7). Identifiers: Orphanet 51, MedGen C3888244, MONDO:0014367, OMIM 615846.

Allele frequency attached by ClinVar (database versions not stated): gnomAD 0.00001; TOPMed 0.00001; gnomAD exomes 0.00005 and 0.00007; ExAC 0.00010.
gnomAD v4.1: 84 of 1,612,960 alleles (0.0052%); highest among the groups gnomAD compares: South Asian, 0.033%; no homozygotes.

Submissions (3):

CeGaT Center for Human Genetics Tuebingen
Classification: Likely benign. Last evaluated: 2025-06-01. Review status: criteria provided, single submitter. Criteria: CeGaT Center For Human Genetics Tuebingen Variant Classification Criteria Version 2. Collection method: clinical testing. Allele origin: germline. Affected: yes. Observed: 1 variant allele.
Comment: IFIH1: BP4, BP7

Labcorp Genetics (formerly Invitae), Labcorp
Classification: Likely benign for Aicardi-Goutieres syndrome 7; Singleton-Merten syndrome 1. Last evaluated: 2024-12-02. Review status: criteria provided, single submitter. Criteria: Invitae Variant Classification Sherloc (09022015). Collection method: clinical testing. Allele origin: germline.

Blueprint Genetics
Classification: Likely benign. Last evaluated: 2023-12-04. Review status: criteria provided, single submitter. Criteria: ACMG Guidelines, 2015. Collection method: clinical testing. Allele origin: germline.